The following is an entry in ClinVar:

ClinVar aggregate classification (germline): Uncertain significance. Review status: criteria provided, multiple submitters, no conflicts (2 of 4 stars). 4 submissions from 4 submitters: Uncertain significance (4). Last evaluated 2025-08-20.

Conditions:
Familial thoracic aortic aneurysm and aortic dissection (TAAD). Also called: Thoracic aortic aneurysms and dissections. Identifiers: Orphanet 91387, MedGen C4707243, MONDO:0019625.
Aortic aneurysm, familial thoracic 4 (AAT4). Also called: AORTIC ANEURYSM/AORTIC DISSECTION AND PATENT DUCTUS ARTERIOSUS. Identifiers: MedGen C1851504, MONDO:0007568, OMIM 132900.

Allele frequency attached by ClinVar (database versions not stated): gnomAD exomes below 0.00001 and 0.00001; ExAC 0.00001.
gnomAD v4.1: 10 of 1,614,006 alleles (0.00062%); highest among the groups gnomAD compares: East Asian, 0.011%; no homozygotes.

Submissions (4):

Ambry Genetics
Classification: Uncertain significance for Familial thoracic aortic aneurysm and aortic dissection. Last evaluated: 2025-08-20. Review status: criteria provided, single submitter. Criteria: Ambry Variant Classification Scheme 2023. Collection method: clinical testing. Allele origin: germline.
Comment: The p.E1585K variant (also known as c.4753G>A), located in coding exon 32 of the MYH11 gene, results from a G to A substitution at nucleotide position 4753. The glutamic acid at codon 1585 is replaced by lysine, an amino acid with similar properties. This amino acid position is conserved. In addition, this alteration is predicted to be deleterious by in silico analysis. Based on the available evidence, the clinical significance of this variant remains unclear.

Labcorp Genetics (formerly Invitae), Labcorp
Classification: Uncertain significance for Aortic aneurysm, familial thoracic 4. Last evaluated: 2025-03-11. Review status: criteria provided, single submitter. Criteria: Invitae Variant Classification Sherloc (09022015). Collection method: clinical testing. Allele origin: germline.
Comment: This sequence change replaces glutamic acid, which is acidic and polar, with lysine, which is basic and polar, at codon 1592 of the MYH11 protein (p.Glu1592Lys). This variant is present in population databases (rs773895582, gnomAD 0.003%). This variant has not been reported in the literature in individuals affected with MYH11-related conditions. ClinVar contains an entry for this variant (Variation ID: 923291). Invitae Evidence Modeling of protein sequence and biophysical properties (such as structural, functional, and spatial information, amino acid conservation, physicochemical variation, residue mobility, and thermodynamic stability) indicates that this missense variant is not expected to disrupt MYH11 protein function with a negative predictive value of 95%. In summary, the available evidence is currently insufficient to determine the role of this variant in disease. Therefore, it has been classified as a Variant of Uncertain Significance.

GeneDx
Classification: Uncertain significance. Last evaluated: 2025-03-10. Review status: criteria provided, single submitter. Criteria: GeneDx Variant Classification Process June 2021. Collection method: clinical testing. Allele origin: germline. Affected: yes.
Comment: Not observed at significant frequency in large population cohorts (gnomAD); In silico analysis supports that this missense variant has a deleterious effect on protein structure/function; Has not been previously published as pathogenic or benign to our knowledge

Color Diagnostics, LLC DBA Color Health
Classification: Uncertain significance for Familial thoracic aortic aneurysm and aortic dissection. Last evaluated: 2024-03-06. Review status: criteria provided, single submitter. Criteria: ACMG Guidelines, 2015. Collection method: clinical testing. Allele origin: germline.
Comment: This missense variant replaces glutamic acid with lysine at codon 1592 of the MYH11 protein. Computational prediction suggests that this variant may have deleterious impact on protein structure and function (internally defined REVEL score threshold >= 0.7, PMID: 27666373). To our knowledge, functional studies have not been reported for this variant. This variant has not been reported in individuals affected with cardiovascular disorders in the literature. This variant has been identified in 1/251374 chromosomes in the general population by the Genome Aggregation Database (gnomAD). The available evidence is insufficient to determine the role of this variant in disease conclusively. Therefore, this variant is classified as a Variant of Uncertain Significance.

NM_002474.3(MYH11):c.4753G>A (p.Glu1585Lys)

Genes: NDE1 (nudE neurodevelopment protein 1; plus strand), MYH11 (myosin heavy chain 11; minus strand). Cytogenetic location: 16p13.11.
Variant type: single nucleotide variant.
Coding change: c.4753G>A on transcript NM_002474.3 (MANE Select); coding-DNA position 4753, G replaced by A.
Protein change: p.Glu1585Lys; replaces glutamic acid 1585 with lysine.
Molecular consequence: missense variant. On other transcripts: intron variant (2).
Genome position (GRCh38, 1-based): chr16:15,720,877, C>T on the plus strand (G>A on the coding strand, the complement: MYH11 is on the minus strand). VCF-style: chr16-15720877-C-T. GRCh37 (hg19) VCF-style: chr16-15814734-C-T.
Other names: c.4753G>A (NM_002474.2); c.4774G>A, p.Glu1592Lys (NM_001040113.2, NM_001040114.2); c.4753G>A, p.Glu1585Lys (NM_022844.3); c.948-3314C>T (NM_001143979.2, NM_017668.3); short protein forms E1585K, E1592K.
Identifiers: ClinVar variation 923291 (VCV000923291.7), dbSNP rs773895582, ClinGen allele CA7921573.